The following is an entry in ClinVar:

NM_000018.4(ACADVL):c.493G>A (p.Glu165Lys)

Gene: ACADVL (acyl-CoA dehydrogenase very long chain; plus strand). Cytogenetic location: 17p13.1.
Variant type: single nucleotide variant.
Coding change: c.493G>A on transcript NM_000018.4 (MANE Select); coding-DNA position 493, G replaced by A.
Protein change: p.Glu165Lys; replaces glutamic acid 165 with lysine.
Molecular consequence: missense variant.
Genome position (GRCh38, 1-based): chr17:7,221,553, G>A. VCF-style: chr17-7221553-G-A. GRCh37 (hg19) VCF-style: chr17-7124872-G-A.
Other names: c.427G>A, p.Glu143Lys (NM_001033859.3); c.562G>A, p.Glu188Lys (NM_001270447.2); c.265G>A, p.Glu89Lys (NM_001270448.2); short protein forms E143K, E165K, E188K, E89K.
Identifiers: ClinVar variation 932862 (VCV000932862.5), dbSNP rs2071226145, ClinGen allele CA397723023.

ClinVar aggregate classification (germline): Uncertain significance. Review status: criteria provided, multiple submitters, no conflicts (2 of 4 stars). 2 submissions from 2 submitters: Uncertain significance (2). Last evaluated 2022-08-30.

Conditions:
Very long chain acyl-CoA dehydrogenase deficiency (ACADVLD). Also called: Very Long-Chain Acyl-Coenzyme A Dehydrogenase Deficiency; VLCAD Deficiency. Identifiers: Orphanet 26793, MedGen C3887523, MONDO:0008723, OMIM 201475.

Submissions (2):

ARUP Laboratories, Molecular Genetics and Genomics, ARUP Laboratories
Classification: Uncertain significance for Very long chain acyl-CoA dehydrogenase deficiency. Last evaluated: 2022-08-30. Review status: criteria provided, single submitter. Criteria: ARUP Molecular Germline Variant Investigation Process 2021. Collection method: clinical testing. Allele origin: germline.
Comment: The ACADVL c.493G>A; p.Glu165Lys variant (rs2071226145), to our knowledge, is not reported in the medical literature but is reported in ClinVar (Variation ID: 932862). This variant is absent from the Genome Aggregation Database, indicating it is not a common polymorphism. The glutamic acid at codon 165 is highly conserved, and computational analyses predict that this variant is deleterious (REVEL: 0.933). However, given the lack of clinical and functional data, the significance of this variant is uncertain at this time.

Wong Mito Lab, Molecular and Human Genetics, Baylor College of Medicine
Classification: Uncertain significance for Very long chain acyl-CoA dehydrogenase deficiency. Last evaluated: 2019-11-01. Review status: criteria provided, single submitter. Criteria: ACMG Guidelines, 2015. Collection method: clinical testing. Allele origin: germline.
Comment: The NM_000018.3:c.493G>A (NP_000009.1:p.Glu165Lys) [GRCH38: NC_000017.11:g.7221553G>A] variant in ACADVL gene is interpretated to be Uncertain Significance based on ACMG guidelines (PMID: 25741868). This variant has been reported. This variant meets the following evidence codes reported in the ACMG guidelines: PP3